The following is an entry in ClinVar:

NM_001377.3(DYNC2H1):c.8714del (p.Asn2905fs)

Gene: DYNC2H1 (dynein cytoplasmic 2 heavy chain 1; plus strand). Cytogenetic location: 11q22.3.
Variant type: Deletion.
Coding change: c.8714del on transcript NM_001377.3 (MANE Select); coding-DNA position 8714, one base deleted (A; older notation c.8714delA).
Protein change: p.Asn2905fs; shifts the reading frame from asparagine 2905.
Molecular consequence: frameshift variant.
Genome position (GRCh38, 1-based): chr11:103,215,740, A deleted; the last of 3 consecutive A bases (chr11:103,215,738-103,215,740); deleting any one gives the same sequence. VCF-style (leftmost placement, unchanged base first): chr11-103215737-TA-T. GRCh37 (hg19) VCF-style: chr11-103086466-TA-T.
Other names: c.8714del, p.Asn2905fs (NM_001080463.2); short protein forms N2905fs.
Identifiers: ClinVar variation 5014594 (VCV005014594.1).
Genomic context (GRCh38, chr11:103,215,737, plus strand): 5'-ATTCCTTTTTTAAAATATTGCCGATCAATATTTTATTGATGTAGGCTGGTGTATCTAAAC[TA>T]AATGAAGCTAAAGCTCTTGTGGATGAACTGAACAGAAAAGCTGGAGAACAAAGTGTGTTA-3'

ClinVar aggregate classification (germline): Pathogenic (1 of 4 stars; one submission).

Conditions:
Asphyxiating thoracic dystrophy 3. Also called: SHORT-RIB THORACIC DYSPLASIA 3 WITH OR WITHOUT POLYDACTYLY; POLYDACTYLY WITH NEONATAL CHONDRODYSTROPHY, TYPE I; SHORT-RIB THORACIC DYSPLASIA 3/6 WITH POLYDACTYLY, DIGENIC; Short rib polydactyly syndrome 2B; Saldino-Noonan Syndrome. Identifiers: Orphanet 474, Orphanet 93269, Orphanet 93270, Orphanet 93271, MedGen C0036069, MONDO:0013127, OMIM 613091.

Submission:

Myriad Genetics, Inc.
Classification: Pathogenic for Asphyxiating thoracic dystrophy 3. Last evaluated: 2025-06-14. Review status: criteria provided, single submitter. Criteria: Myriad Autosomal Dominant, Autosomal Recessive and X-Linked Classification Criteria (2023). Collection method: clinical testing. Allele origin: unknown.
Comment: NM_001377.2(DYNC2H1):c.8714delA(N2905Mfs*10) is expected to be pathogenic in the context of DYNC2H1-related disorders. This variant is predicted to lead to an abnormal or absent protein product due to the creation of a premature termination codon in DYNC2H1, a gene where loss-of-function variants are known to be pathogenic. Please note: this variant was assessed in the context of healthy population screening.